The following is an entry in ClinVar:

ClinVar aggregate classification (germline): Uncertain significance (1 of 4 stars; one submission).

Conditions:
Immunodeficiency 39 (IMD39). Identifiers: Orphanet 574918, MedGen C4225358, MONDO:0014597, OMIM 616345.

Submission:

Labcorp Genetics (formerly Invitae), Labcorp
Classification: Uncertain significance for Immunodeficiency 39. Last evaluated: 2023-12-11. Review status: criteria provided, single submitter. Criteria: Invitae Variant Classification Sherloc (09022015). Collection method: clinical testing. Allele origin: germline.
Comment: This sequence change replaces aspartic acid, which is acidic and polar, with glycine, which is neutral and non-polar, at codon 130 of the IRF7 protein (p.Asp130Gly). This variant is not present in population databases (gnomAD no frequency). This variant has not been reported in the literature in individuals affected with IRF7-related conditions. ClinVar contains an entry for this variant (Variation ID: 1718146). Advanced modeling of protein sequence and biophysical properties (such as structural, functional, and spatial information, amino acid conservation, physicochemical variation, residue mobility, and thermodynamic stability) performed at Invitae indicates that this missense variant is expected to disrupt IRF7 protein function with a positive predictive value of 80%. In summary, the available evidence is currently insufficient to determine the role of this variant in disease. Therefore, it has been classified as a Variant of Uncertain Significance.

NM_001572.5(IRF7):c.350A>G (p.Asp117Gly)

Gene: IRF7 (interferon regulatory factor 7; minus strand). Cytogenetic location: 11p15.5.
Variant type: single nucleotide variant.
Coding change: c.350A>G on transcript NM_001572.5 (MANE Select); coding-DNA position 350, A replaced by G.
Protein change: p.Asp117Gly; replaces aspartic acid 117 with glycine.
Molecular consequence: missense variant.
Genome position (GRCh38, 1-based): chr11:614,841, T>C on the plus strand (A>G on the coding strand, the complement: IRF7 is on the minus strand). VCF-style: chr11-614841-T-C. GRCh37 (hg19) VCF-style: chr11-614841-T-C.
Other names: c.350A>G, p.Asp117Gly (NM_004029.4); c.389A>G, p.Asp130Gly (NM_004031.4); short protein forms D117G, D130G.
Identifiers: ClinVar variation 1718146 (VCV001718146.5), dbSNP rs2493938857, ClinGen allele CA378982967.
Genomic context (GRCh38, chr11:614,841, plus strand): 5'-AGCCGGCGTCGCTCACCTCGCCAGCACAGCTCCCGGCTGAGCGCGTACACCTTGTGCGGG[T>C]CGGCCGGGTCCCCCGAGTTATCCCGCAGCATCACGAAGCGACGCGTGCTGCGCAGTGCGC-3'
Protein context (NP_001563.2, residues 107-127): MLRDNSGDPA[Asp117Gly]PHKVYALSRE